The following is an entry in ClinVar:

ClinVar aggregate classification (germline): Uncertain significance (1 of 4 stars; one submission).

Allele frequency attached by ClinVar (database versions not stated): TOPMed below 0.00001; gnomAD exomes 0.00001 and 0.00003; ExAC 0.00002.
gnomAD v4.1: 12 of 1,604,270 alleles (0.00075%); highest among the groups gnomAD compares: South Asian, 0.013%; no homozygotes.

Submission:

Labcorp Genetics (formerly Invitae), Labcorp
Classification: Uncertain significance. Last evaluated: 2021-04-18. Review status: criteria provided, single submitter. Criteria: Invitae Variant Classification Sherloc (09022015). Collection method: clinical testing. Allele origin: germline.
Comment: This variant is present in population databases (rs750404792, ExAC 0.01%). This sequence change replaces glycine with aspartic acid at codon 203 of the LMX1B protein (p.Gly203Asp). The glycine residue is moderately conserved and there is a moderate physicochemical difference between glycine and aspartic acid. This variant has not been reported in the literature in individuals with LMX1B-related conditions. Algorithms developed to predict the effect of missense changes on protein structure and function (SIFT, PolyPhen-2, Align-GVGD) all suggest that this variant is likely to be tolerated, but these predictions have not been confirmed by published functional studies and their clinical significance is uncertain. In summary, the available evidence is currently insufficient to determine the role of this variant in disease. Therefore, it has been classified as a Variant of Uncertain Significance.

NM_001174147.2(LMX1B):c.608G>A (p.Gly203Asp)

Gene: LMX1B (LIM homeobox transcription factor 1 beta; plus strand). Cytogenetic location: 9q33.3.
Variant type: single nucleotide variant.
Coding change: c.608G>A on transcript NM_001174147.2 (MANE Select); coding-DNA position 608, G replaced by A.
Protein change: p.Gly203Asp; replaces glycine 203 with aspartic acid.
Molecular consequence: missense variant.
Genome position (GRCh38, 1-based): chr9:126,693,190, G>A. VCF-style: chr9-126693190-G-A. GRCh37 (hg19) VCF-style: chr9-129455469-G-A.
Other names: c.608G>A, p.Gly203Asp (NM_001174146.2, NM_002316.4); short protein forms G203D.
Identifiers: ClinVar variation 1481664 (VCV001481664.8), dbSNP rs750404792, ClinGen allele CA5242372.